The following is an entry in ClinVar:

ClinVar aggregate classification (germline): Uncertain significance (1 of 4 stars; one submission).

Conditions:
Primary dilated cardiomyopathy (DCM). Also called: Dilated Cardiomyopathy. Identifiers: Orphanet 217604, MedGen C0007193, MeSH D002311, MONDO:0005021, HP:0001644. Inheritance: Various modes of inheritance.

gnomAD v4.1: 1 of 1,611,032 alleles (0.000062%); no homozygotes.

Submission:

Labcorp Genetics (formerly Invitae), Labcorp
Classification: Uncertain significance for Primary dilated cardiomyopathy. Last evaluated: 2022-06-14. Review status: criteria provided, single submitter. Criteria: Invitae Variant Classification Sherloc (09022015). Collection method: clinical testing. Allele origin: germline.
Comment: This sequence change affects a donor splice site in intron 10 of the NEBL gene. It is expected to disrupt RNA splicing. Variants that disrupt the donor or acceptor splice site typically lead to a loss of protein function (PMID: 16199547), however the current clinical and genetic evidence is not sufficient to establish whether loss-of-function variants in NEBL cause disease. This variant is not present in population databases (gnomAD no frequency). This variant has not been reported in the literature in individuals affected with NEBL-related conditions. Algorithms developed to predict the effect of sequence changes on RNA splicing suggest that this variant may disrupt the consensus splice site. In summary, the available evidence is currently insufficient to determine the role of this variant in disease. Therefore, it has been classified as a Variant of Uncertain Significance.

Literature cited by the submitters: PubMed 16199547.

NM_006393.3(NEBL):c.1008+1G>C

Gene: NEBL (nebulette; minus strand). Cytogenetic location: 10p12.31.
Variant type: single nucleotide variant.
Coding change: c.1008+1G>C on transcript NM_006393.3 (MANE Select); the canonical splice donor site of the intron after coding-DNA position 1008, G replaced by C.
Molecular consequence: splice donor variant. On other transcripts: intron variant (9).
Genome position (GRCh38, 1-based): chr10:20,852,544, C>G on the plus strand (G>C on the coding strand, the complement: NEBL is on the minus strand). VCF-style: chr10-20852544-C-G. GRCh37 (hg19) VCF-style: chr10-21141473-C-G.
Other names: c.250-39604G>C (NM_001377326.1, NM_001377327.1, NM_001377328.1); c.358-39604G>C (NM_213569.2, NM_001173484.2, NM_001377322.1); c.301-39604G>C (NM_001377324.1); c.292-39604G>C (NM_001377325.1); c.310-39604G>C (NM_001377323.1).
Identifiers: ClinVar variation 2006019 (VCV002006019.4), dbSNP rs544496070, ClinGen allele CA376100384.